The following is an entry in ClinVar:

ClinVar aggregate classification (germline): Uncertain significance. Review status: criteria provided, multiple submitters, no conflicts (2 of 4 stars). 2 submissions from 2 submitters: Uncertain significance (2). Last evaluated 2023-09-23.

Conditions:
Hereditary cancer-predisposing syndrome. Also called: Tumor predisposition; Neoplastic Syndromes, Hereditary; Hereditary Cancer Syndrome; Hereditary neoplastic syndrome. Identifiers: Orphanet 140162, MedGen C0027672, MeSH D009386, MONDO:0015356.
Gastrointestinal stromal tumor. Also called: Gastrointestinal stromal tumor, somatic; Gastrointestinal stroma tumor. Identifiers: Orphanet 44890, MedGen C0238198, MeSH D046152, MONDO:0011719, OMIM 606764, HP:0100723.

Submissions (2):

Ambry Genetics
Classification: Uncertain significance for Hereditary cancer-predisposing syndrome. Last evaluated: 2023-09-23. Review status: criteria provided, single submitter. Criteria: Ambry Variant Classification Scheme 2023. Collection method: clinical testing. Allele origin: germline.
Comment: The p.R690G variant (also known as c.2068A>G), located in coding exon 14 of the PDGFRA gene, results from an A to G substitution at nucleotide position 2068. The arginine at codon 690 is replaced by glycine, an amino acid with dissimilar properties. This amino acid position is conserved. In addition, this alteration is predicted to be deleterious by in silico analysis. Since supporting evidence is limited at this time, the clinical significance of this alteration remains unclear.

Labcorp Genetics (formerly Invitae), Labcorp
Classification: Uncertain significance for Gastrointestinal stromal tumor. Last evaluated: 2021-11-26. Review status: criteria provided, single submitter. Criteria: Invitae Variant Classification Sherloc (09022015). Collection method: clinical testing. Allele origin: germline.
Comment: This sequence change replaces arginine, which is basic and polar, with glycine, which is neutral and non-polar, at codon 690 of the PDGFRA protein (p.Arg690Gly). This variant is not present in population databases (gnomAD no frequency). This variant has not been reported in the literature in individuals affected with PDGFRA-related conditions. Algorithms developed to predict the effect of missense changes on protein structure and function (SIFT, PolyPhen-2, Align-GVGD) all suggest that this variant is likely to be disruptive. In summary, the available evidence is currently insufficient to determine the role of this variant in disease. Therefore, it has been classified as a Variant of Uncertain Significance.

NM_006206.6(PDGFRA):c.2068A>G (p.Arg690Gly)

Gene: PDGFRA (platelet derived growth factor receptor alpha; plus strand). Cytogenetic location: 4q12.
Variant type: single nucleotide variant.
Coding change: c.2068A>G on transcript NM_006206.6 (MANE Select); coding-DNA position 2068, A replaced by G.
Protein change: p.Arg690Gly; replaces arginine 690 with glycine.
Molecular consequence: missense variant.
Genome position (GRCh38, 1-based): chr4:54,278,427, A>G. VCF-style: chr4-54278427-A-G. GRCh37 (hg19) VCF-style: chr4-55144594-A-G.
Other names: c.2068A>G (NM_006206.4); c.2068A>G, p.Arg690Gly (NM_001347827.2, NM_001347829.2); c.2143A>G, p.Arg715Gly (NM_001347828.2); c.2107A>G, p.Arg703Gly (NM_001347830.2); short protein forms R690G, R715G, R703G.
Identifiers: ClinVar variation 1511763 (VCV001511763.7), dbSNP rs2110315746, ClinGen allele CA356893970.
Genomic context (GRCh38, chr4:54,278,427, plus strand): 5'-ATTTACATCATCACAGAGTATTGCTTCTATGGAGATTTGGTCAACTATTTGCATAAGAAT[A>G]GGGATAGCTTCCTGAGCCACCACCCAGAGAAGCCAAAGAAAGAGCTGGATATCTTTGGAT-3'
Protein context (NP_006197.1, residues 680-700): GDLVNYLHKN[Arg690Gly]DSFLSHHPEK